The following is an entry in ClinVar:

NM_022436.3(ABCG5):c.1873C>G (p.Leu625Val)

Genes: DYNC2LI1 (dynein cytoplasmic 2 light intermediate chain 1; plus strand), ABCG5 (ATP binding cassette subfamily G member 5; minus strand). Cytogenetic location: 2p21.
Variant type: single nucleotide variant.
Coding change: c.1873C>G on transcript NM_022436.3 (MANE Select); coding-DNA position 1873, C replaced by G.
Protein change: p.Leu625Val; replaces leucine 625 with valine.
Molecular consequence: missense variant. On other transcripts: intron variant (2).
Genome position (GRCh38, 1-based): chr2:43,813,199, G>C on the plus strand (C>G on the coding strand, the complement: ABCG5 is on the minus strand). VCF-style: chr2-43813199-G-C. GRCh37 (hg19) VCF-style: chr2-44040338-G-C.
Other names: c.*15+2675G>C (NM_001348913.2, NM_001348912.2); short protein forms L625V.
Identifiers: ClinVar variation 336034 (VCV000336034.7), dbSNP rs774651183, ClinGen allele CA1636131.

ClinVar aggregate classification (germline): Uncertain significance. Review status: criteria provided, multiple submitters, no conflicts (2 of 4 stars). 2 submissions from 2 submitters: Uncertain significance (2). Last evaluated 2025-08-24.

Conditions:
Sitosterolemia (STSL). Also called: PHYTOSTEROLEMIA. Identifiers: Orphanet 2882, MedGen C0342907, MONDO:0008863.
Sitosterolemia 1. Identifiers: MedGen C2749759, MONDO:0020747, OMIM 210250.

Allele frequency attached by ClinVar (database versions not stated): gnomAD exomes below 0.00001; ExAC 0.00001.
gnomAD v4.1: 1 of 1,603,982 alleles (0.000062%); highest among the groups gnomAD compares: South Asian, 0.0011%; no homozygotes.

Submissions (2):

Labcorp Genetics (formerly Invitae), Labcorp
Classification: Uncertain significance for Sitosterolemia. Last evaluated: 2025-08-24. Review status: criteria provided, single submitter. Criteria: Invitae Variant Classification Sherloc (09022015). Collection method: clinical testing. Allele origin: germline.
Comment: This sequence change replaces leucine, which is neutral and non-polar, with valine, which is neutral and non-polar, at codon 625 of the ABCG5 protein (p.Leu625Val). This variant is present in population databases (rs774651183, gnomAD 0.003%). This variant has not been reported in the literature in individuals affected with ABCG5-related conditions. ClinVar contains an entry for this variant (Variation ID: 336034). An algorithm developed to predict the effect of missense changes on protein structure and function (PolyPhen-2) suggests that this variant is likely to be tolerated. In summary, the available evidence is currently insufficient to determine the role of this variant in disease. Therefore, it has been classified as a Variant of Uncertain Significance.

Illumina Laboratory Services, Illumina
Classification: Uncertain significance for Sitosterolemia 1. Last evaluated: 2018-01-13. Review status: criteria provided, single submitter. Criteria: ICSL Variant Classification Criteria 13 December 2019. Collection method: clinical testing. Allele origin: germline.